The following is an entry in ClinVar:

NM_001942.4(DSG1):c.1832C>T (p.Thr611Ile)

Genes: DSG1 (desmoglein 1; plus strand), DSG1-AS1 (DSG1 antisense RNA 1; minus strand). Cytogenetic location: 18q12.1.
Variant type: single nucleotide variant.
Coding change: c.1832C>T on transcript NM_001942.4 (MANE Select); coding-DNA position 1832, C replaced by T.
Protein change: p.Thr611Ile; replaces threonine 611 with isoleucine.
Molecular consequence: missense variant.
Genome position (GRCh38, 1-based): chr18:31,343,936, C>T. VCF-style: chr18-31343936-C-T. GRCh37 (hg19) VCF-style: chr18-28923899-C-T.
Other names: short protein forms T611I.
Identifiers: ClinVar variation 4697293 (VCV004697293.1).

ClinVar aggregate classification (germline): Uncertain significance (1 of 4 stars; one submission).

gnomAD v4.1: 4 of 1,612,360 alleles (0.00025%); highest among the groups gnomAD compares: Non-Finnish European, 0.00025%; no homozygotes.

Submission:

Labcorp Genetics (formerly Invitae), Labcorp
Classification: Uncertain significance. Last evaluated: 2025-03-30. Review status: criteria provided, single submitter. Criteria: Invitae Variant Classification Sherloc (09022015). Collection method: clinical testing. Allele origin: germline.
Comment: This sequence change replaces threonine, which is neutral and polar, with isoleucine, which is neutral and non-polar, at codon 611 of the DSG1 protein (p.Thr611Ile). This variant is present in population databases (rs769441726, gnomAD 0.002%). This variant has not been reported in the literature in individuals affected with DSG1-related conditions. Invitae Evidence Modeling of protein sequence and biophysical properties (such as structural, functional, and spatial information, amino acid conservation, physicochemical variation, residue mobility, and thermodynamic stability) indicates that this missense variant is not expected to disrupt DSG1 protein function with a negative predictive value of 80%. In summary, the available evidence is currently insufficient to determine the role of this variant in disease. Therefore, it has been classified as a Variant of Uncertain Significance.